The following is an entry in ClinVar:

NM_020937.4(FANCM):c.901C>T (p.Gln301Ter)

Gene: FANCM (FA complementation group M; plus strand). Cytogenetic location: 14q21.2.
Variant type: single nucleotide variant.
Coding change: c.901C>T on transcript NM_020937.4 (MANE Select); coding-DNA position 901, C replaced by T.
Protein change: p.Gln301Ter; replaces glutamine 301 with a stop codon.
Molecular consequence: nonsense.
Genome position (GRCh38, 1-based): chr14:45,148,978, C>T. VCF-style: chr14-45148978-C-T. GRCh37 (hg19) VCF-style: chr14-45618181-C-T.
Other names: c.823C>T, p.Gln275Ter (NM_001308133.2); c.901C>T, p.Gln301Ter (NM_001308134.2); short protein forms Q275*, Q301*.
Identifiers: ClinVar variation 2202500 (VCV002202500.4), dbSNP rs2503085082, ClinGen allele CA389590237.
Genomic context (GRCh38, chr14:45,148,978, plus strand): 5'-TCTCATGAAAGAAAAGTTGAAAAGCTTATTGTTCCGCTTGGTGAAGAACTTGCAGCCATC[C>T]AAAAGACCTATATCCAGGTAAACCATTTTTATGACATTTAGGGATTTCATAAATAAACTG-3'

ClinVar aggregate classification (germline): Pathogenic (1 of 4 stars; one submission).

Conditions:
Fanconi anemia (FA). Also called: Fanconi's anemia. Identifiers: Orphanet 84, MedGen C0015625, MeSH D005199, MONDO:0019391.

Allele frequency attached by ClinVar (database versions not stated): gnomAD exomes below 0.00001.
gnomAD v4.1: 1 of 1,613,484 alleles (0.000062%); highest among the groups gnomAD compares: Admixed American, 0.0017%; no homozygotes.

Submission:

Labcorp Genetics (formerly Invitae), Labcorp
Classification: Pathogenic for Fanconi anemia. Last evaluated: 2022-08-09. Review status: criteria provided, single submitter. Criteria: Invitae Variant Classification Sherloc (09022015). Collection method: clinical testing. Allele origin: germline.
Comment: For these reasons, this variant has been classified as Pathogenic. This variant has not been reported in the literature in individuals affected with FANCM-related conditions. This variant is not present in population databases (gnomAD no frequency). This sequence change creates a premature translational stop signal (p.Gln301*) in the FANCM gene. It is expected to result in an absent or disrupted protein product. Loss-of-function variants in FANCM are known to be pathogenic (PMID: 29895858, 30075111).

Literature cited by the submitters: PubMed 29895858; PubMed 30075111.